The following is an entry in ClinVar:

ClinVar aggregate classification (germline): Uncertain significance (1 of 4 stars; one submission).

Conditions:
TERT-related disorder. Also called: TERT-related condition; TERT-related disorders.

Submission:

PreventionGenetics, part of Exact Sciences
Classification: Uncertain significance for TERT-related condition. Last evaluated: 2023-04-17. Review status: criteria provided, single submitter. Criteria: ACMG Guidelines, 2015. Collection method: clinical testing. Allele origin: germline.
Comment: The TERT c.913_915delinsACA variant is predicted to result in an in-frame deletion and insertion. To our knowledge, this variant has not been reported in the literature or in a large population database, indicating this variant is rare. At this time, the clinical significance of this variant is uncertain due to the absence of conclusive functional and genetic evidence.

NM_198253.3(TERT):c.913_915delinsACA (p.Ala305Thr)

Gene: TERT (telomerase reverse transcriptase; minus strand). Cytogenetic location: 5p15.33.
Variant type: Indel.
Coding change: c.913_915delinsACA on transcript NM_198253.3 (MANE Select); coding-DNA positions 913 to 915, GCG replaced by ACA.
Protein change: p.Ala305Thr; replaces alanine 305 with threonine.
Molecular consequence: missense variant. On other transcripts: non-coding transcript variant (2).
Genome position (GRCh38, 1-based): chr5:1,293,971-1,293,973, CGC replaced by TGT on the plus strand (GCG replaced by ACA on the coding strand, the reverse complement: TERT is on the minus strand). VCF-style: chr5-1293971-CGC-TGT. GRCh37 (hg19) VCF-style: chr5-1294086-CGC-TGT.
Other names: c.913_915delinsACA, p.Ala305Thr (NM_001193376.3); c.913_915delGCGinsACA, p.Ala305Thr (NM_003219.1, NM_198253.2); short protein forms A305T.
Identifiers: ClinVar variation 2633791 (VCV002633791.1), dbSNP rs2478417968, ClinGen allele CA2695198578.